The following is an entry in ClinVar:

NM_004656.4(BAP1):c.440C>A (p.Pro147His)

Gene: BAP1 (BRCA1 associated deubiquitinase 1; minus strand). Cytogenetic location: 3p21.1.
Variant type: single nucleotide variant.
Coding change: c.440C>A on transcript NM_004656.4 (MANE Select); coding-DNA position 440, C replaced by A.
Protein change: p.Pro147His; replaces proline 147 with histidine.
Molecular consequence: missense variant.
Genome position (GRCh38, 1-based): chr3:52,407,314, G>T on the plus strand (C>A on the coding strand, the complement: BAP1 is on the minus strand). VCF-style: chr3-52407314-G-T. GRCh37 (hg19) VCF-style: chr3-52441330-G-T.
Other names: c.440C>A, p.Pro147His (NM_001410772.1); short protein forms P147H.
Identifiers: ClinVar variation 3603819 (VCV003603819.2).

ClinVar aggregate classification (germline): Uncertain significance (1 of 4 stars; one submission).

Conditions:
BAP1-related tumor predisposition syndrome (TPDS1). Also called: Tumor susceptibility linked to germline BAP1 mutations; BAP1 tumor predisposition syndrome; COMMON Syndrome; TUMOR PREDISPOSITION SYNDROME 1. Identifiers: Orphanet 289539, MedGen C3280492, MONDO:0013692, OMIM 614327.

Submission:

Labcorp Genetics (formerly Invitae), Labcorp
Classification: Uncertain significance for BAP1-related tumor predisposition syndrome. Last evaluated: 2024-06-11. Review status: criteria provided, single submitter. Criteria: Invitae Variant Classification Sherloc (09022015). Collection method: clinical testing. Allele origin: germline.
Comment: This sequence change replaces proline, which is neutral and non-polar, with histidine, which is basic and polar, at codon 147 of the BAP1 protein (p.Pro147His). This variant is not present in population databases (gnomAD no frequency). This variant has not been reported in the literature in individuals affected with BAP1-related conditions. An algorithm developed to predict the effect of missense changes on protein structure and function (PolyPhen-2) suggests that this variant is likely to be disruptive. In summary, the available evidence is currently insufficient to determine the role of this variant in disease. Therefore, it has been classified as a Variant of Uncertain Significance.